The following is an entry in ClinVar:

NM_002439.5(MSH3):c.2179C>G (p.Arg727Gly)

Gene: MSH3 (mutS homolog 3; plus strand). Cytogenetic location: 5q14.1.
Variant type: single nucleotide variant.
Coding change: c.2179C>G on transcript NM_002439.5 (MANE Select); coding-DNA position 2179, C replaced by G.
Protein change: p.Arg727Gly; replaces arginine 727 with glycine.
Molecular consequence: missense variant.
Genome position (GRCh38, 1-based): chr5:80,768,929, C>G. VCF-style: chr5-80768929-C-G. GRCh37 (hg19) VCF-style: chr5-80064748-C-G.
Other names: short protein forms R727G.
Identifiers: ClinVar variation 3398690 (VCV003398690.1).

ClinVar aggregate classification (germline): Uncertain significance (1 of 4 stars; one submission).

Conditions:
Hereditary cancer-predisposing syndrome. Also called: Hereditary Cancer Syndrome; Tumor predisposition; Hereditary neoplastic syndrome; Neoplastic Syndromes, Hereditary. Identifiers: Orphanet 140162, MedGen C0027672, MeSH D009386, MONDO:0015356.

Submission:

Ambry Genetics
Classification: Uncertain significance for Hereditary cancer-predisposing syndrome. Last evaluated: 2024-07-07. Review status: criteria provided, single submitter. Criteria: Ambry Variant Classification Scheme 2023. Collection method: clinical testing. Allele origin: germline.
Comment: The p.R727G variant (also known as c.2179C>G), located in coding exon 15 of the MSH3 gene, results from a C to G substitution at nucleotide position 2179. The arginine at codon 727 is replaced by glycine, an amino acid with dissimilar properties. This amino acid position is conserved. In addition, this alteration is predicted to be tolerated by in silico analysis. Based on the available evidence, the clinical significance of this variant remains unclear.